The following is an entry in ClinVar:

ClinVar aggregate classification (germline): Uncertain significance (1 of 4 stars; one submission).

Conditions:
COG7 congenital disorder of glycosylation (CDG2E). Also called: CONGENITAL DISORDER OF GLYCOSYLATION, TYPE IIe; CDG IIe. Identifiers: Orphanet 79333, MedGen C2931010, MONDO:0012118, OMIM 608779.

Allele frequency attached by ClinVar (database versions not stated): gnomAD exomes 0.00002 and 0.00004; ExAC 0.00003; TOPMed 0.00006; gnomAD 0.00009 and 0.00010.

Submission:

Labcorp Genetics (formerly Invitae), Labcorp
Classification: Uncertain significance for COG7 congenital disorder of glycosylation. Last evaluated: 2026-01-19. Review status: criteria provided, single submitter. Criteria: Invitae Variant Classification Sherloc (09022015). Collection method: clinical testing. Allele origin: germline.
Comment: This sequence change replaces glycine, which is neutral and non-polar, with arginine, which is basic and polar, at codon 252 of the COG7 protein (p.Gly252Arg). This variant is present in population databases (rs766287686, gnomAD 0.04%). This variant has not been reported in the literature in individuals affected with COG7-related conditions. ClinVar contains an entry for this variant (Variation ID: 938128). Invitae Evidence Modeling of protein sequence and biophysical properties (such as structural, functional, and spatial information, amino acid conservation, physicochemical variation, residue mobility, and thermodynamic stability) indicates that this missense variant is not expected to disrupt COG7 protein function with a negative predictive value of 80%. In summary, the available evidence is currently insufficient to determine the role of this variant in disease. Therefore, it has been classified as a Variant of Uncertain Significance.

NM_153603.4(COG7):c.754G>A (p.Gly252Arg)

Gene: COG7 (component of oligomeric golgi complex 7; minus strand). Cytogenetic location: 16p12.2.
Variant type: single nucleotide variant.
Coding change: c.754G>A on transcript NM_153603.4 (MANE Select); coding-DNA position 754, G replaced by A.
Protein change: p.Gly252Arg; replaces glycine 252 with arginine.
Molecular consequence: missense variant.
Genome position (GRCh38, 1-based): chr16:23,433,601, C>T on the plus strand (G>A on the coding strand, the complement: COG7 is on the minus strand). VCF-style: chr16-23433601-C-T. GRCh37 (hg19) VCF-style: chr16-23444922-C-T.
Other names: short protein forms G252R.
Identifiers: ClinVar variation 938128 (VCV000938128.8), dbSNP rs766287686, ClinGen allele CA7961196.
Genomic context (GRCh38, chr16:23,433,601, plus strand): 5'-TTACCTGTGTAGCCCACTGGATTTGTGTGTGCCAAGCACCAAGCAAGGCATCATAGAGTC[C>T]GGTAAGCTGCCGGTCCAGGGATAGGTCACTTTGACACAGCTCTTGCCAGGCTGCTAAAAG-3'
Protein context (NP_705831.1, residues 242-262): SDLSLDRQLT[Gly252Arg]LYDALLGAWH